The following is an entry in ClinVar:

NM_000285.4(PEPD):c.796A>G (p.Thr266Ala)

Gene: PEPD (peptidase D; minus strand). Cytogenetic location: 19q13.11.
Variant type: single nucleotide variant.
Coding change: c.796A>G on transcript NM_000285.4 (MANE Select); coding-DNA position 796, A replaced by G.
Protein change: p.Thr266Ala; replaces threonine 266 with alanine.
Molecular consequence: missense variant.
Genome position (GRCh38, 1-based): chr19:33,411,694, T>C on the plus strand (A>G on the coding strand, the complement: PEPD is on the minus strand). VCF-style: chr19-33411694-T-C. GRCh37 (hg19) VCF-style: chr19-33902600-T-C.
Other names: c.673A>G, p.Thr225Ala (NM_001166056.2); c.604A>G, p.Thr202Ala (NM_001166057.2); short protein forms T202A, T225A, T266A.
Identifiers: ClinVar variation 1204005 (VCV001204005.6), dbSNP rs773722161, ClinGen allele CA9364130.

ClinVar aggregate classification (germline): Uncertain significance. Review status: criteria provided, multiple submitters, no conflicts (2 of 4 stars). 2 submissions from 2 submitters: Uncertain significance (2). Last evaluated 2025-09-06.

Allele frequency attached by ClinVar (database versions not stated): gnomAD 0.00002 and 0.00004; TOPMed 0.00002; gnomAD exomes 0.00004 and 0.00005; ExAC 0.00005.
gnomAD v4.1: 58 of 1,608,974 alleles (0.0036%); highest among the groups gnomAD compares: Middle Eastern, 0.13%; no homozygotes.

Submissions (2):

Labcorp Genetics (formerly Invitae), Labcorp
Classification: Uncertain significance. Last evaluated: 2025-09-06. Review status: criteria provided, single submitter. Criteria: Invitae Variant Classification Sherloc (09022015). Collection method: clinical testing. Allele origin: germline.
Comment: This sequence change replaces threonine, which is neutral and polar, with alanine, which is neutral and non-polar, at codon 266 of the PEPD protein (p.Thr266Ala). This variant is present in population databases (rs773722161, gnomAD 0.01%). This variant has not been reported in the literature in individuals affected with PEPD-related conditions. ClinVar contains an entry for this variant (Variation ID: 1204005). Invitae Evidence Modeling of protein sequence and biophysical properties (such as structural, functional, and spatial information, amino acid conservation, physicochemical variation, residue mobility, and thermodynamic stability) indicates that this missense variant is not expected to disrupt PEPD protein function with a negative predictive value of 95%. In summary, the available evidence is currently insufficient to determine the role of this variant in disease. Therefore, it has been classified as a Variant of Uncertain Significance.

GeneDx
Classification: Uncertain significance. Last evaluated: 2020-06-29. Review status: criteria provided, single submitter. Criteria: GeneDx Variant Classification Process June 2021. Collection method: clinical testing. Allele origin: germline. Affected: yes.
Comment: In silico analysis supports that this missense variant has a deleterious effect on protein structure/function; Identified in a patient with global delay, infantile spasms and retinal dystrophy who also harbored variants in several other genes (Volk et al., 2015); This variant is associated with the following publications: (PMID: 25852444)